The following is an entry in ClinVar:

ClinVar aggregate classification (germline): Pathogenic (1 of 4 stars; one submission).

Submission:

GeneDx
Classification: Pathogenic. Last evaluated: 2017-05-19. Review status: criteria provided, single submitter. Criteria: GeneDx Variant Classification (06012015). Collection method: clinical testing. Allele origin: germline. Affected: yes.
Comment: The c.457delG variant in the UBE3A gene has not been reported previously as a pathogenic variant nor as a benign variant, to our knowledge. This variant causes a frameshift starting with codon Glutamic Acid 153, changes this amino acid to a Lysine residue, and creates a premature Stop codon at position 153 of the new reading frame, denoted p.Glu153LysfsX3. This variant is predicted to cause loss of normal protein function either through protein truncation or nonsense-mediated mRNA decay. The c.457delG variant is not observed in large population cohorts (Lek et al., 2016; 1000 Genomes Consortium et al., 2015; Exome Variant Server). We interpret c.457delG as a pathogenic variant.

NM_130839.5(UBE3A):c.517del (p.Glu173fs)

Genes: SNHG14 (small nucleolar RNA host gene 14; plus strand), UBE3A (ubiquitin protein ligase E3A; minus strand). Cytogenetic location: 15q11.2.
Variant type: Deletion.
Coding change: c.517del on transcript NM_130839.5 (MANE Select); coding-DNA position 517, one base deleted (G; older notation c.517delG).
Protein change: p.Glu173fs; shifts the reading frame from glutamic acid 173.
Molecular consequence: frameshift variant. On other transcripts: non-coding transcript variant (1), intron variant (2).
Genome position (GRCh38, 1-based): chr15:25,371,657, C deleted on the plus strand (G on the coding strand, the reverse complement: UBE3A is on the minus strand); the first of 2 consecutive C bases (chr15:25,371,657-25,371,658); deleting either gives the same sequence. VCF-style (leftmost placement, unchanged base first): chr15-25371656-TC-T. GRCh37 (hg19) VCF-style: chr15-25616803-TC-T.
Other names: c.526del, p.Glu176fs (NM_000462.5); c.517del, p.Glu173fs (NM_001354505.1, NM_001354538.2, NM_001354545.2); c.457del, p.Glu153fs (NM_001354506.2, NM_001354507.2, NM_001354508.2 and 17 more transcripts); c.340del, p.Glu114fs (NM_001354546.2); c.301+3808del (NM_001354551.2); c.361+3808del (NM_001354550.2); short protein forms E153fs, E173fs, E176fs, E114fs.
Identifiers: ClinVar variation 430147 (VCV000430147.2), dbSNP rs1131691801, ClinGen allele CA645369633.